The following is an entry in ClinVar:

NM_021098.3(CACNA1H):c.3723G>T (p.Glu1241Asp)

Gene: CACNA1H (calcium voltage-gated channel subunit alpha1 H; plus strand). Cytogenetic location: 16p13.3.
Variant type: single nucleotide variant.
Coding change: c.3723G>T on transcript NM_021098.3 (MANE Select); coding-DNA position 3723, G replaced by T.
Protein change: p.Glu1241Asp; replaces glutamic acid 1241 with aspartic acid.
Molecular consequence: missense variant.
Genome position (GRCh38, 1-based): chr16:1,209,391, G>T. VCF-style: chr16-1209391-G-T. GRCh37 (hg19) VCF-style: chr16-1259391-G-T.
Other names: c.3723G>T, p.Glu1241Asp (NM_001005407.2); short protein forms E1241D.
Identifiers: ClinVar variation 1434070 (VCV001434070.8), dbSNP rs547739256, ClinGen allele CA7800868.

ClinVar aggregate classification (germline): Uncertain significance (1 of 4 stars; one submission).

Conditions:
Idiopathic generalized epilepsy. Also called: EIG; Generalised epilepsy. Identifiers: MedGen C0270850, MONDO:0005579, OMIM 600669.
Hyperaldosteronism, familial, type IV (HALD4). Also called: FH IV; ALDOSTERONISM, PRIMARY, AND HYPERTENSION. Identifiers: Orphanet 642671, MedGen C4310756, MONDO:0014875, OMIM 617027.

gnomAD v4.1: 15 of 1,597,770 alleles (0.00094%); no homozygotes.

Submission:

Labcorp Genetics (formerly Invitae), Labcorp
Classification: Uncertain significance for Idiopathic generalized epilepsy; Hyperaldosteronism, familial, type IV. Last evaluated: 2021-06-28. Review status: criteria provided, single submitter. Criteria: Invitae Variant Classification Sherloc (09022015). Collection method: clinical testing. Allele origin: germline.
Comment: Advanced modeling of protein sequence and biophysical properties (such as structural, functional, and spatial information, amino acid conservation, physicochemical variation, residue mobility, and thermodynamic stability) performed at Invitae indicates that this missense variant is not expected to disrupt CACNA1H protein function. In summary, the available evidence is currently insufficient to determine the role of this variant in disease. Therefore, it has been classified as a Variant of Uncertain Significance. This variant has not been reported in the literature in individuals affected with CACNA1H-related conditions. This variant is present in population databases (rs547739256, ExAC 0.003%). This sequence change replaces glutamic acid with aspartic acid at codon 1241 of the CACNA1H protein (p.Glu1241Asp). The glutamic acid residue is moderately conserved and there is a small physicochemical difference between glutamic acid and aspartic acid.